The following is an entry in ClinVar:

ClinVar aggregate classification (germline): Uncertain significance. Review status: criteria provided, multiple submitters, no conflicts (2 of 4 stars). 2 submissions from 2 submitters: Uncertain significance (2). Last evaluated 2024-09-26.

Allele frequency attached by ClinVar (database versions not stated): gnomAD 0.00001; TOPMed 0.00002; ExAC 0.00007.
gnomAD v4.1: 39 of 1,614,070 alleles (0.0024%); highest among the groups gnomAD compares: South Asian, 0.0022%; no homozygotes.

Submissions (2):

Ambry Genetics
Classification: Uncertain significance. Last evaluated: 2024-09-26. Review status: criteria provided, single submitter. Criteria: Ambry Variant Classification Scheme 2023. Collection method: clinical testing. Allele origin: germline.

Labcorp Genetics (formerly Invitae), Labcorp
Classification: Uncertain significance. Last evaluated: 2022-10-19. Review status: criteria provided, single submitter. Criteria: Invitae Variant Classification Sherloc (09022015). Collection method: clinical testing. Allele origin: germline.
Comment: In summary, the available evidence is currently insufficient to determine the role of this variant in disease. Therefore, it has been classified as a Variant of Uncertain Significance. Algorithms developed to predict the effect of missense changes on protein structure and function are either unavailable or do not agree on the potential impact of this missense change (SIFT: "Deleterious"; PolyPhen-2: "Probably Damaging"; Align-GVGD: "Class C0"). This variant has not been reported in the literature in individuals affected with SALL2-related conditions. This variant is present in population databases (rs781499652, gnomAD 0.05%). This sequence change replaces arginine, which is basic and polar, with histidine, which is basic and polar, at codon 675 of the SALL2 protein (p.Arg675His).

NM_001364564.1(SALL2):c.2018G>A (p.Arg673His)

Gene: SALL2 (spalt like transcription factor 2; minus strand). Cytogenetic location: 14q11.2.
Variant type: single nucleotide variant.
Coding change: c.2018G>A on transcript NM_001364564.1 (MANE Select); coding-DNA position 2018, G replaced by A.
Protein change: p.Arg673His; replaces arginine 673 with histidine.
Molecular consequence: missense variant.
Genome position (GRCh38, 1-based): chr14:21,523,704, C>T on the plus strand (G>A on the coding strand, the complement: SALL2 is on the minus strand). VCF-style: chr14-21523704-C-T. GRCh37 (hg19) VCF-style: chr14-21991838-C-T.
Other names: c.2024G>A (NM_005407.1); c.1619G>A, p.Arg540His (NM_001291446.2); c.1613G>A, p.Arg538His (NM_001291447.2); c.2024G>A, p.Arg675His (NM_005407.3); short protein forms R538H, R673H, R540H, R675H.
Identifiers: ClinVar variation 3016148 (VCV003016148.4), dbSNP rs781499652, ClinGen allele CA7093571.